The following is an entry in ClinVar:

ClinVar aggregate classification (germline): Uncertain significance. Review status: criteria provided, multiple submitters, no conflicts (2 of 4 stars). 4 submissions from 4 submitters: Uncertain significance (4). Last evaluated 2025-10-18.

Conditions:
Hereditary cancer-predisposing syndrome. Also called: Tumor predisposition; Neoplastic Syndromes, Hereditary; Hereditary Cancer Syndrome; Hereditary neoplastic syndrome. Identifiers: Orphanet 140162, MedGen C0027672, MeSH D009386, MONDO:0015356.

Submissions (4):

Labcorp Genetics (formerly Invitae), Labcorp
Classification: Uncertain significance. Last evaluated: 2025-10-18. Review status: criteria provided, single submitter. Criteria: Invitae Variant Classification Sherloc (09022015). Collection method: clinical testing. Allele origin: germline.
Comment: This variant, c.2255_2257del, results in the deletion of 1 amino acid(s) of the POLE protein (p.Ser752del), but otherwise preserves the integrity of the reading frame. This variant is not present in population databases (gnomAD no frequency). This variant has not been reported in the literature in individuals affected with POLE-related conditions. ClinVar contains an entry for this variant (Variation ID: 240430). Experimental studies and prediction algorithms are not available or were not evaluated, and the functional significance of this variant is currently unknown. In summary, the available evidence is currently insufficient to determine the role of this variant in disease. Therefore, it has been classified as a Variant of Uncertain Significance.

Ambry Genetics
Classification: Uncertain significance for Hereditary cancer-predisposing syndrome. Last evaluated: 2025-07-23. Review status: criteria provided, single submitter. Criteria: Ambry Variant Classification Scheme 2023. Collection method: clinical testing. Allele origin: germline.
Comment: The c.2255_2257delCCT variant (also known as p.S752del) is located in coding exon 20 of the POLE gene. This variant results from an in-frame CCT deletion at nucleotide positions 2255 to 2257. This results in the in-frame deletion of a serine at codon 752. This amino acid position is highly conserved in available vertebrate species. In addition, this variant is predicted to be deleterious by in silico analysis (Choi Y et al. PLoS ONE. 2012; 7(10):e46688). Based on the available evidence, the clinical significance of this variant remains unclear.

GeneDx
Classification: Uncertain significance. Last evaluated: 2024-01-18. Review status: criteria provided, single submitter. Criteria: GeneDx Variant Classification Process June 2021. Collection method: clinical testing. Allele origin: germline. Affected: yes.
Comment: In-frame deletion of 1 amino acid in a non-repeat region; Not observed at significant frequency in large population cohorts (gnomAD); In silico analysis supports a deleterious effect on protein structure/function; Has not been previously published as pathogenic or benign to our knowledge; This variant is associated with the following publications: (PMID: 20951805)

Quest Diagnostics Nichols Institute San Juan Capistrano
Classification: Uncertain significance. Last evaluated: 2019-07-15. Review status: criteria provided, single submitter. Criteria: Quest Diagnostics criteria. Collection method: clinical testing. Allele origin: germline.

NM_006231.4(POLE):c.2255_2257del (p.Ser752del)

Gene: POLE (DNA polymerase epsilon, catalytic subunit; minus strand). Cytogenetic location: 12q24.33.
Variant type: Deletion.
Coding change: c.2255_2257del on transcript NM_006231.4 (MANE Select); coding-DNA positions 2255 to 2257, 3 bases deleted (CCT; older notation c.2255_2257delCCT).
Protein change: p.Ser752del; deletes serine 752.
Molecular consequence: inframe deletion.
Genome position (GRCh38, 1-based): chr12:132,667,565-132,667,567, AGG deleted on the plus strand (CCT on the coding strand, the reverse complement: POLE is on the minus strand); deleting any 3 consecutive bases within chr12:132,667,565-132,667,569 gives the same sequence; the c. name uses the placement nearest the transcript's 3' end. VCF-style (leftmost placement, unchanged base first): chr12-132667564-AAGG-A. GRCh37 (hg19) VCF-style: chr12-133244150-AAGG-A.
Other names: c.2255_2257delCCT (NM_006231.2); c.2255_2257del (NM_006231.2); short protein forms S752del.
Identifiers: ClinVar variation 240430 (VCV000240430.27), dbSNP rs878854850, ClinGen allele CA10583012.
Genomic context (GRCh38, chr12:132,667,564, plus strand): 5'-TTGTGGAGCCCTTTGAACTCGTAACGCCTGTCCCGGAAGGCACGCACGGTGTCCACGTAG[AAGG>A]AGTTTTCCCGCTGGCAGATGGTGGTGAGACGCTCTTCCACCTTGGTGATGTGGATCTTCT-3'